The following is an entry in ClinVar:

NM_000051.4(ATM):c.2377-11C>G

Gene: ATM (ATM serine/threonine kinase; plus strand). Cytogenetic location: 11q22.3.
Variant type: single nucleotide variant.
Coding change: c.2377-11C>G on transcript NM_000051.4 (MANE Select); 11 bases into the intron before coding-DNA position 2377, C replaced by G.
Molecular consequence: intron variant.
Genome position (GRCh38, 1-based): chr11:108,258,975, C>G. VCF-style: chr11-108258975-C-G. GRCh37 (hg19) VCF-style: chr11-108129702-C-G.
Other names: c.2377-11C>G (NM_001351834.2).
Identifiers: ClinVar variation 920381 (VCV000920381.11), dbSNP rs2080691297, ClinGen allele CA913188492.
Genomic context (GRCh38, chr11:108,258,975, plus strand): 5'-AAAACACTGTCTGCCAAGAATAATTGTTTTTATTTCTTTGTTGCTTGGTTCTTTGTTTGT[C>G]TTAATTGCAGAAGAGTCCAAATAAGATTGCATCTGGCTTTTTCCTGCGATTGTTAACATC-3'

ClinVar aggregate classification (germline): Conflicting classifications of pathogenicity. Review status: criteria provided, conflicting classifications (1 of 4 stars). 2 submissions from 2 submitters: Uncertain significance (1); Likely benign (1). Last evaluated 2025-12-10.

Conditions:
Hereditary cancer-predisposing syndrome. Also called: Hereditary Cancer Syndrome; Hereditary neoplastic syndrome; Neoplastic Syndromes, Hereditary; Tumor predisposition. Identifiers: Orphanet 140162, MedGen C0027672, MeSH D009386, MONDO:0015356.
Ataxia-telangiectasia syndrome (AT). Also called: Ataxia-telangiectasia, complementation group E; LOUIS-BAR SYNDROME; Cerebello-oculocutaneous telangiectasia; Immunodeficiency with ataxia telangiectasia; Ataxia-telangiectasia, complementation group D; AT, COMPLEMENTATION GROUP C. Identifiers: Orphanet 100, MedGen C0004135, MONDO:0008840, OMIM 208900.

Submissions (2):

Labcorp Genetics (formerly Invitae), Labcorp
Classification: Likely benign for Ataxia-telangiectasia syndrome. Last evaluated: 2025-12-10. Review status: criteria provided, single submitter. Criteria: Invitae Variant Classification Sherloc (09022015). Collection method: clinical testing. Allele origin: germline.

Color Diagnostics, LLC DBA Color Health
Classification: Uncertain significance for Hereditary cancer-predisposing syndrome. Last evaluated: 2022-01-24. Review status: criteria provided, single submitter. Criteria: ACMG Guidelines, 2015. Collection method: clinical testing. Allele origin: germline.
Comment: This variant causes a C to G nucleotide substitution at the -11 position of intron 15 of the ATM gene. To our knowledge, functional studies have not been reported for this variant. This variant has not been reported in individuals affected with hereditary cancer in the literature. This variant has not been identified in the general population by the Genome Aggregation Database (gnomAD). The available evidence is insufficient to determine the role of this variant in disease conclusively. Therefore, this variant is classified as a Variant of Uncertain Significance.